The following is an entry in ClinVar:

NM_001267550.2(TTN):c.84193G>C (p.Asp28065His)

Genes: TTN (titin; minus strand), TTN-AS1 (TTN antisense RNA 1; plus strand). Cytogenetic location: 2q31.2.
Variant type: single nucleotide variant.
Coding change: c.84193G>C on transcript NM_001267550.2 (MANE Select); coding-DNA position 84193, G replaced by C.
Protein change: p.Asp28065His; replaces aspartic acid 28065 with histidine.
Molecular consequence: missense variant.
Genome position (GRCh38, 1-based): chr2:178,561,939, C>G on the plus strand (G>C on the coding strand, the complement: TTN is on the minus strand). VCF-style: chr2-178561939-C-G. GRCh37 (hg19) VCF-style: chr2-179426666-C-G.
Other names: c.56998G>C, p.Asp19000His (NM_003319.4); c.76489G>C, p.Asp25497His (NM_133378.4); c.57373G>C, p.Asp19125His (NM_133432.3); c.57574G>C, p.Asp19192His (NM_133437.4); c.79270G>C, p.Asp26424His (NM_001256850.1); short protein forms D19000H, D19125H, D19192H, D25497H, D26424H, D28065H.
Identifiers: ClinVar variation 2438068 (VCV002438068.5), dbSNP rs764469970, ClinGen allele CA1988810.

ClinVar aggregate classification (germline): Uncertain significance. Review status: criteria provided, multiple submitters, no conflicts (2 of 4 stars). 3 submissions from 3 submitters: Uncertain significance (3). Last evaluated 2025-10-18.

Conditions:
TTN-related disorder. Also called: TTN-related condition; TTN-related disease; TTN-related disorders.

Allele frequency attached by ClinVar (database versions not stated): TOPMed below 0.00001; gnomAD exomes 0.00002; ExAC 0.00003.
gnomAD v4.1: 28 of 1,613,468 alleles (0.0017%); highest among the groups gnomAD compares: South Asian, 0.023%; no homozygotes.

Submissions (3):

Women's Health and Genetics/Laboratory Corporation of America, LabCorp
Classification: Uncertain significance. Last evaluated: 2025-10-18. Review status: criteria provided, single submitter. Criteria: LabCorp Variant Classification Summary - May 2015. Collection method: clinical testing. Allele origin: germline.

PreventionGenetics, part of Exact Sciences
Classification: Uncertain significance for TTN-related condition. Last evaluated: 2025-03-17. Review status: criteria provided, single submitter. Criteria: ACMG Guidelines, 2015. Collection method: clinical testing. Allele origin: germline.
Comment: The TTN c.84193G>C variant is predicted to result in the amino acid substitution p.Asp28065His. To our knowledge, this variant has not been reported in the literature. This variant is reported in 0.023% of alleles in individuals of South Asian descent in gnomAD. At this time, the clinical significance of this variant is uncertain due to the absence of conclusive functional and genetic evidence.

Revvity Omics, Revvity
Classification: Uncertain significance. Last evaluated: 2019-08-17. Review status: criteria provided, single submitter. Criteria: ACMG Guidelines, 2015. Collection method: clinical testing. Allele origin: germline.